The following is an entry in ClinVar:

NM_005609.4(PYGM):c.1717G>T (p.Glu573Ter)

Gene: PYGM (glycogen phosphorylase, muscle associated; minus strand). Cytogenetic location: 11q13.1.
Variant type: single nucleotide variant.
Coding change: c.1717G>T on transcript NM_005609.4 (MANE Select); coding-DNA position 1717, G replaced by T.
Protein change: p.Glu573Ter; replaces glutamic acid 573 with a stop codon.
Molecular consequence: nonsense.
Genome position (GRCh38, 1-based): chr11:64,751,975, C>A on the plus strand (G>T on the coding strand, the complement: PYGM is on the minus strand). VCF-style: chr11-64751975-C-A. GRCh37 (hg19) VCF-style: chr11-64519447-C-A.
Other names: c.1717G>T (NM_005609.3); c.1453G>T, p.Glu485Ter (NM_001164716.1); short protein forms E573*, E485*.
Identifiers: ClinVar variation 370762 (VCV000370762.11), dbSNP rs752848974, ClinGen allele CA6079772.
Genomic context (GRCh38, chr11:64,751,975, plus strand): 5'-GCCACTCACGGTTGTACAGGGTGATGACATGGAGGCAGTTGAGGAGCTGTCGTTTATATT[C>A]GTGAATCCGCTTCACCTGGATGTCGAAGAGTGAGTTGGGGTTGATGTGGACTTTGTATTC-3'

ClinVar aggregate classification (germline): Pathogenic/Likely pathogenic. Review status: criteria provided, multiple submitters, no conflicts (2 of 4 stars). 5 submissions from 5 submitters: Pathogenic (1); Likely pathogenic (3). 1 of the submissions does not count toward it. Last evaluated 2026-04-29.

Conditions:
Glycogen storage disease, type V (GSD5). Also called: MCARDLE DISEASE; MUSCLE GLYCOGEN PHOSPHORYLASE DEFICIENCY; MYOPHOSPHORYLASE DEFICIENCY; PYGM DEFICIENCY; McArdle type glycogen storage disease. Identifiers: Orphanet 368, MedGen C0017924, MONDO:0009293, OMIM 232600.

Allele frequency attached by ClinVar (database versions not stated): ExAC 0.00001.

Submissions (5):

Service of Pediatric Gastrohepatology and Metabolic Diseases, University of Medicine of Tirana
Classification: Likely pathogenic for Glycogen storage disease, type V. Last evaluated: 2026-04-29. Review status: criteria provided, single submitter. Criteria: ACMG Guidelines, 2015. Collection method: clinical testing. Allele origin: germline. Inheritance: Autosomal recessive inheritance. Affected: yes. Observed: 1 variant allele.
Comment: PYGM c.1717G>T was classified as Likely pathogenic using ACMG/AMP 2015 criteria (PMID:25741868). Evidence considered includes PM2 for rarity/absence in population databases when reviewed, PP3 for predicted deleterious effect, and PP4 for phenotype/biochemical consistency with glycogen storage disease type V/McArdle disease (OMIM:232600).

Natera, Inc.
Classification: Likely pathogenic for Glycogen storage disease V. Last evaluated: 2025-03-31. Review status: criteria provided, single submitter. Criteria: Natera Variant Classification Schema (03/2026). Collection method: clinical testing. Allele origin: germline.
Comment: The c.1717G>T variant in PYGM is a nonsense variant predicted to introduce a stop codon at amino acid 573. This variant is expected to result in nonsense mediated decay, truncation, or a dysfunctional protein product. This variant is rare in the general population with a frequency below the threshold expected for the associated phenotype(s). Given the available evidence, this variant is classified as Likely Pathogenic.

Labcorp Genetics (formerly Invitae), Labcorp
Classification: Pathogenic for Glycogen storage disease, type V. Last evaluated: 2024-02-17. Review status: criteria provided, single submitter. Criteria: Invitae Variant Classification Sherloc (09022015). Collection method: clinical testing. Allele origin: germline.
Comment: This sequence change creates a premature translational stop signal (p.Glu573*) in the PYGM gene. It is expected to result in an absent or disrupted protein product. Loss-of-function variants in PYGM are known to be pathogenic (PMID: 8316268, 16786513). This variant is present in population databases (rs752848974, gnomAD 0.02%). This variant has not been reported in the literature in individuals affected with PYGM-related conditions. ClinVar contains an entry for this variant (Variation ID: 370762). For these reasons, this variant has been classified as Pathogenic.

Baylor Genetics
Classification: Likely pathogenic for Glycogen storage disease, type V. Last evaluated: 2023-12-23. Review status: criteria provided, single submitter. Criteria: ACMG Guidelines, 2015. Collection method: clinical testing. Allele origin: unknown.

Counsyl
Classification: Likely pathogenic for Glycogen storage disease, type V. Last evaluated: 2016-04-06. Review status: no assertion criteria provided. Collection method: clinical testing. Allele origin: unknown. Not counted in ClinVar's aggregate classification.

Literature cited by the submitters: PubMed 8316268 (cited by Labcorp Genetics (formerly Invitae), Labcorp); PubMed 16786513 (cited by Labcorp Genetics (formerly Invitae), Labcorp).